The following is an entry in ClinVar:

ClinVar aggregate classification (germline): Uncertain significance (1 of 4 stars; one submission).

Conditions:
COL18A1-related disorder. Also called: COL18A1-related condition; COL18A1-related disorders.

gnomAD v4.1: 44 of 1,539,434 alleles (0.0029%); highest among the groups gnomAD compares: South Asian, 0.006%; no homozygotes.

Submission:

PreventionGenetics, part of Exact Sciences
Classification: Uncertain significance for COL18A1-related condition. Last evaluated: 2024-12-10. Review status: criteria provided, single submitter. Criteria: ACMG Guidelines, 2015. Collection method: clinical testing. Allele origin: germline.
Comment: The COL18A1 c.1090G>A variant is predicted to result in the amino acid substitution p.Glu364Lys. To our knowledge, this variant has not been reported in the literature. This variant is reported in 0.093% of alleles in individuals of Ashkenazi Jewish descent in gnomAD. Although we suspect that this variant may be benign, at this time, the clinical significance of this variant is uncertain due to the absence of conclusive functional and genetic evidence.

NM_001379500.1(COL18A1):c.107-11622G>A

Gene: COL18A1 (collagen type XVIII alpha 1 chain; plus strand). Cytogenetic location: 21q22.3.
Variant type: single nucleotide variant.
Coding change: c.107-11622G>A on transcript NM_001379500.1 (MANE Select); 11622 bases into the intron before coding-DNA position 107, G replaced by A.
Molecular consequence: intron variant. On other transcripts: missense variant (1).
Genome position (GRCh38, 1-based): chr21:45,456,620, G>A. VCF-style: chr21-45456620-G-A. GRCh37 (hg19) VCF-style: chr21-46876534-G-A.
Other names: c.1090G>A, p.Glu364Lys (NM_130444.3); c.646+444G>A (NM_030582.4); short protein forms E364K.
Identifiers: ClinVar variation 4977727 (VCV004977727.1).